The following is an entry in ClinVar:

NM_032776.3(JMJD1C):c.517G>T (p.Val173Leu)

Gene: JMJD1C (jumonji domain containing 1C; minus strand). Cytogenetic location: 10q21.3.
Variant type: single nucleotide variant.
Coding change: c.517G>T on transcript NM_032776.3 (MANE Select); coding-DNA position 517, G replaced by T.
Protein change: p.Val173Leu; replaces valine 173 with leucine.
Molecular consequence: missense variant. On other transcripts: 5 prime UTR variant (3), intron variant (2).
Genome position (GRCh38, 1-based): chr10:63,219,914, C>A on the plus strand (G>T on the coding strand, the complement: JMJD1C is on the minus strand). VCF-style: chr10-63219914-C-A. GRCh37 (hg19) VCF-style: chr10-64979674-C-A.
Other names: c.-30G>T (NM_001282948.2, NM_001318154.2); c.-352G>T (NM_001318153.2); c.403G>T, p.Val135Leu (NM_001322252.2); c.-104-2583G>T (NM_001322258.2, NM_001322254.2); short protein forms V135L, V173L.
Identifiers: ClinVar variation 1490347 (VCV001490347.8), dbSNP rs577522842, ClinGen allele CA208379757.

ClinVar aggregate classification (germline): Uncertain significance (1 of 4 stars; one submission).

Conditions:
Early Myoclonic Encephalopathy. Identifiers: MedGen C0270855.

Allele frequency attached by ClinVar (database versions not stated): TOPMed 0.00001; gnomAD exomes below 0.00001; gnomAD 0.00002.
gnomAD v4.1: 6 of 1,613,576 alleles (0.00037%); highest among the groups gnomAD compares: Admixed American, 0.0017%; no homozygotes.

Submission:

Labcorp Genetics (formerly Invitae), Labcorp
Classification: Uncertain significance for Early Myoclonic Encephalopathy. Last evaluated: 2021-01-28. Review status: criteria provided, single submitter. Criteria: Invitae Variant Classification Sherloc (09022015). Collection method: clinical testing. Allele origin: germline.
Comment: This sequence change replaces valine with leucine at codon 173 of the JMJD1C protein (p.Val173Leu). The valine residue is moderately conserved and there is a small physicochemical difference between valine and leucine. This variant is not present in population databases (ExAC no frequency). In summary, the available evidence is currently insufficient to determine the role of this variant in disease. Therefore, it has been classified as a Variant of Uncertain Significance. Algorithms developed to predict the effect of missense changes on protein structure and function are either unavailable or do not agree on the potential impact of this missense change (SIFT: "Deleterious"; PolyPhen-2: "Benign"; Align-GVGD: "Class C0"). This variant has not been reported in the literature in individuals with JMJD1C-related conditions.